The following is an entry in ClinVar:

ClinVar aggregate classification (germline): Uncertain significance (1 of 4 stars; one submission).

Submission:

GeneDx
Classification: Uncertain significance. Last evaluated: 2017-05-31. Review status: criteria provided, single submitter. Criteria: GeneDx Variant Classification (06012015). Collection method: clinical testing. Allele origin: germline. Affected: yes.
Comment: The c.1397_1414del18 variant in the BIN1 gene has not been reported previously as a pathogenic variant nor as a benign variant, to our knowledge. The c.1397_1414del18 variant causes an in-frame deletion of six amino acid residues starting with codon Glycine 466, denoted p.Gly466_Ala471del. The c.1397_1414del18 variant is not observed in large population cohorts (Lek et al., 2016; 1000 Genomes Consortium et al., 2015; Exome Variant Server). We interpret c.1397_1414del18 as a variant of uncertain significance.

NM_139343.3(BIN1):c.1397_1414del (p.Gly466_Ala471del)

Gene: BIN1 (bridging integrator 1; minus strand). Cytogenetic location: 2q14.3.
Variant type: Deletion.
Coding change: c.1397_1414del on transcript NM_139343.3 (MANE Select); coding-DNA positions 1397 to 1414, 18 bases deleted (GTGGGACCCAACCTGCGG).
Protein change: p.Gly466_Ala471del.
Molecular consequence: inframe deletion. On other transcripts: intron variant (3).
Genome position (GRCh38, 1-based): chr2:127,051,201-127,051,218, CCGCAGGTTGGGTCCCAC deleted on the plus strand (GTGGGACCCAACCTGCGG on the coding strand, the reverse complement: BIN1 is on the minus strand); deleting any 18 consecutive bases within chr2:127,051,201-127,051,222 gives the same sequence; the c. name uses the placement nearest the transcript's 3' end. VCF-style (leftmost placement, unchanged base first): chr2-127051200-GCCGCAGGTTGGGTCCCAC-G. GRCh37 (hg19) VCF-style: chr2-127808776-GCCGCAGGTTGGGTCCCAC-G.
Other names: c.1397_1414delGTGGGACCCAACCTGCGG (NM_139343.2); c.1028_1045del, p.Gly343_Ala348del (NM_001320633.2); c.1157_1174del, p.Gly386_Ala391del (NM_001320640.2); c.1304_1321del, p.Gly435_Ala440del (NM_001320641.2); c.1316_1333del, p.Gly439_Ala444del (NM_001320642.1); c.980_997del, p.Gly327_Ala332del (NM_004305.4); c.1268_1285del, p.Gly423_Ala428del (NM_139344.3); c.1136_1153del, p.Gly379_Ala384del (NM_139345.3); and 8 more.
Identifiers: ClinVar variation 430524 (VCV000430524.2), dbSNP rs1553450921, ClinGen allele CA645369159.